The following is an entry in ClinVar:

ClinVar aggregate classification (germline): Likely pathogenic (1 of 4 stars; one submission).

Conditions:
Mucopolysaccharidosis, MPS-I-H/S. Also called: Mucopolysaccharidosis type IH/S. Identifiers: Orphanet 93476, MedGen C0086431, MONDO:0011759, OMIM 607015.

Submission:

Myriad Genetics, Inc.
Classification: Likely pathogenic for Mucopolysaccharidosis, MPS-I-H/S. Last evaluated: 2019-09-30. Review status: criteria provided, single submitter. Criteria: Myriad Women's Health Autosomal Recessive and X-Linked Classification Criteria (2019). Collection method: clinical testing. Allele origin: unknown.
Comment: NM_000203.3(IDUA):c.1219C>T(Q407*) is expected to be pathogenic in the context of mucopolysaccharidosis type I. This variant is predicted to lead to an abnormal or absent protein product due to the creation of a premature termination codon in IDUA, a gene where loss-of-function variants are known to be pathogenic. Please note: this variant was assessed in the context of healthy population screening.

NM_000203.5(IDUA):c.1219C>T (p.Gln407Ter)

Gene: IDUA (alpha-L-iduronidase; plus strand). Cytogenetic location: 4p16.3.
Variant type: single nucleotide variant.
Coding change: c.1219C>T on transcript NM_000203.5 (MANE Select); coding-DNA position 1219, C replaced by T.
Protein change: p.Gln407Ter; replaces glutamine 407 with a stop codon.
Molecular consequence: nonsense. On other transcripts: non-coding transcript variant (1).
Genome position (GRCh38, 1-based): chr4:1,002,761, C>T. VCF-style: chr4-1002761-C-T. GRCh37 (hg19) VCF-style: chr4-996549-C-T.
Other names: c.823C>T, p.Gln275Ter (NM_001363576.1); short protein forms Q275*, Q407*.
Identifiers: ClinVar variation 983616 (VCV000983616.3), dbSNP rs1715178056, ClinGen allele CA355963582.